The following is an entry in ClinVar:

ClinVar aggregate classification (germline): Uncertain significance (1 of 4 stars; one submission).

Conditions:
Hereditary breast ovarian cancer syndrome. Also called: Hereditary breast and ovarian cancer syndrome; BRCA1- and BRCA2-Associated Hereditary Breast and Ovarian Cancer; Breast and ovarian cancer; Hereditary breast and ovarian cancer; Hereditary breast and ovarian cancer syndrome (HBOC); Hereditary breast and/or ovarian cancer syndrome. Identifiers: Orphanet 145, MedGen C0677776, MeSH D061325, MONDO:0003582. Disease mechanism: loss of function.

Submission:

Labcorp Genetics (formerly Invitae), Labcorp
Classification: Uncertain significance for Hereditary breast ovarian cancer syndrome. Last evaluated: 2024-01-03. Review status: criteria provided, single submitter. Criteria: Invitae Variant Classification Sherloc (09022015). Collection method: clinical testing. Allele origin: germline.
Comment: This sequence change replaces aspartic acid, which is acidic and polar, with histidine, which is basic and polar, at codon 3042 of the BRCA2 protein (p.Asp3042His). This variant is not present in population databases (gnomAD no frequency). This variant has not been reported in the literature in individuals affected with BRCA2-related conditions. Advanced modeling of protein sequence and biophysical properties (such as structural, functional, and spatial information, amino acid conservation, physicochemical variation, residue mobility, and thermodynamic stability) performed at Invitae indicates that this missense variant is not expected to disrupt BRCA2 protein function with a negative predictive value of 95%. Algorithms developed to predict the effect of sequence changes on RNA splicing suggest that this variant may create or strengthen a splice site. In summary, the available evidence is currently insufficient to determine the role of this variant in disease. Therefore, it has been classified as a Variant of Uncertain Significance.

NM_000059.4(BRCA2):c.9124G>C (p.Asp3042His)

Gene: BRCA2 (BRCA2 DNA repair associated; plus strand). Cytogenetic location: 13q13.1.
Variant type: single nucleotide variant.
Coding change: c.9124G>C on transcript NM_000059.4 (MANE Select); coding-DNA position 9124, G replaced by C.
Protein change: p.Asp3042His; replaces aspartic acid 3042 with histidine.
Molecular consequence: missense variant. On other transcripts: non-coding transcript variant (1).
Genome position (GRCh38, 1-based): chr13:32,380,013, G>C. VCF-style: chr13-32380013-G-C. GRCh37 (hg19) VCF-style: chr13-32954150-G-C.
Other names: c.9028G>C, p.Asp3010His (NM_001406719.1); c.9073G>C, p.Asp3025His (NM_001406720.1); c.4192G>C, p.Asp1398His (NM_001406721.1); c.2707G>C, p.Asp903His (NM_001406722.1); short protein forms D1398H, D3010H, D3042H, D3025H, D903H.
Identifiers: ClinVar variation 2905049 (VCV002905049.3), dbSNP rs2137624523, ClinGen allele CA387757771.